The following is an entry in ClinVar:

NC_000012.12:g.121626827C>T

Genes: ORAI1 (ORAI calcium release-activated calcium modulator 1; plus strand), LOC130008987 (ATAC-STARR-seq lymphoblastoid silent region 4981; plus strand). Cytogenetic location: 12q24.31.
Variant type: single nucleotide variant.
Genome position: GRCh38 VCF-style: chr12-121626827-C-T. GRCh37 (hg19) VCF-style: chr12-122064732-C-T.
Other names: c.85C>T, p.Arg29Trp (NM_032790.4); short protein forms R29W.
Identifiers: ClinVar variation 1410978 (VCV001410978.6), dbSNP rs1413893402, ClinGen allele CA386980464.

ClinVar aggregate classification (germline): Uncertain significance (1 of 4 stars; one submission).

Conditions:
Combined immunodeficiency due to ORAI1 deficiency. Also called: IMMUNODEFICIENCY 9. Identifiers: Orphanet 169090, Orphanet 317428, MedGen C2748568, MONDO:0013007, OMIM 612782.
Myopathy, tubular aggregate, 2 (TAM2). Identifiers: MedGen C4014557, MONDO:0014383, OMIM 615883.

Allele frequency attached by ClinVar (database versions not stated): TOPMed 0.00002; gnomAD 0.00001.

Submission:

Labcorp Genetics (formerly Invitae), Labcorp
Classification: Uncertain significance for Myopathy, tubular aggregate, 2; Combined immunodeficiency due to ORAI1 deficiency. Last evaluated: 2025-11-18. Review status: criteria provided, single submitter. Criteria: Invitae Variant Classification Sherloc (09022015). Collection method: clinical testing. Allele origin: germline.
Comment: This sequence change replaces arginine, which is basic and polar, with tryptophan, which is neutral and slightly polar, at codon 29 of the ORAI1 protein (p.Arg29Trp). The frequency data for this variant in the population databases is considered unreliable, as metrics indicate poor data quality at this position in the gnomAD database. This variant has not been reported in the literature in individuals affected with ORAI1-related conditions. ClinVar contains an entry for this variant (Variation ID: 1410978). Experimental studies and prediction algorithms are not available or were not evaluated, and the functional significance of this variant is currently unknown. In summary, the available evidence is currently insufficient to determine the role of this variant in disease. Therefore, it has been classified as a Variant of Uncertain Significance.